The following is an entry in ClinVar:

ClinVar aggregate classification (germline): Uncertain significance (1 of 4 stars; one submission).

Conditions:
Joubert syndrome. Also called: Familial aplasia of the vermis; CEREBELLOPARENCHYMAL DISORDER IV; JOUBERT-BOLTSHAUSER SYNDROME. Identifiers: Orphanet 475, MedGen C5979921, MONDO:0018772.
Meckel-Gruber syndrome. Also called: Dysencephalia splachnocystica; DYSENCEPHALIA SPLANCHNOCYSTICA; GRUBER SYNDROME. Identifiers: Orphanet 564, MedGen C0265215, MONDO:0018921.

gnomAD v4.1: 2 of 1,614,062 alleles (0.00012%); highest among the groups gnomAD compares: East Asian, 0.0022%; no homozygotes.

Submission:

Labcorp Genetics (formerly Invitae), Labcorp
Classification: Uncertain significance for Joubert syndrome; Meckel-Gruber syndrome. Last evaluated: 2020-07-22. Review status: criteria provided, single submitter. Criteria: Invitae Variant Classification Sherloc (09022015). Collection method: clinical testing. Allele origin: germline.
Comment: In summary, the available evidence is currently insufficient to determine the role of this variant in disease. Therefore, it has been classified as a Variant of Uncertain Significance. Algorithms developed to predict the effect of missense changes on protein structure and function (SIFT, PolyPhen-2, Align-GVGD) all suggest that this variant is likely to be tolerated, but these predictions have not been confirmed by published functional studies and their clinical significance is uncertain. This variant has not been reported in the literature in individuals with RPGRIP1L-related conditions. This variant is not present in population databases (ExAC no frequency). This sequence change replaces histidine with arginine at codon 67 of the RPGRIP1L protein (p.His67Arg). The histidine residue is highly conserved and there is a small physicochemical difference between histidine and arginine.

NM_015272.5(RPGRIP1L):c.200A>G (p.His67Arg)

Gene: RPGRIP1L (RPGRIP1 like; minus strand). Cytogenetic location: 16q12.2.
Variant type: single nucleotide variant.
Coding change: c.200A>G on transcript NM_015272.5 (MANE Select); coding-DNA position 200, A replaced by G.
Protein change: p.His67Arg; replaces histidine 67 with arginine.
Molecular consequence: missense variant.
Genome position (GRCh38, 1-based): chr16:53,696,181, T>C on the plus strand (A>G on the coding strand, the complement: RPGRIP1L is on the minus strand). VCF-style: chr16-53696181-T-C. GRCh37 (hg19) VCF-style: chr16-53730093-T-C.
Other names: c.200A>G, p.His67Arg (NM_001308334.3, NM_001328422.2, NM_001328423.2 and 2 more transcripts); short protein forms H67R.
Identifiers: ClinVar variation 1047731 (VCV001047731.9), dbSNP rs763837182, ClinGen allele CA395925827.
Genomic context (GRCh38, chr16:53,696,181, plus strand): 5'-GAAAAAAAGCTAAAAGCTTTTTATCATAACCTTTTAATTTTATCCTCCTGCTTGCGGGCA[T>C]GCTGTTTAAGTAAAATGTTCTCATCATGCAAACGCAAAAATCTGTCTTCCAGTTCCTCAC-3'
Protein context (NP_056087.2, residues 57-77): LHDENILLKQ[His67Arg]ARKQEDKIKR